The following is an entry in ClinVar:

ClinVar aggregate classification (germline): Uncertain significance. Review status: criteria provided, multiple submitters, no conflicts (2 of 4 stars). 2 submissions from 2 submitters: Uncertain significance (2). Last evaluated 2023-12-04.

Conditions:
Immunodeficiency, common variable, 12 (CVID12). Also called: IMMUNODEFICIENCY, COMMON VARIABLE, 12, WITH AUTOIMMUNITY; NFKB1 DEFICIENCY. Identifiers: Orphanet 1572, Orphanet 696874, MedGen C4225277, MONDO:0014697, OMIM 616576.

Allele frequency attached by ClinVar (database versions not stated): gnomAD exomes below 0.00001.
gnomAD v4.1: 1 of 1,614,130 alleles (0.000062%); highest among the groups gnomAD compares: Non-Finnish European, 0.000085%; no homozygotes.

Submissions (2):

Labcorp Genetics (formerly Invitae), Labcorp
Classification: Uncertain significance. Last evaluated: 2023-12-04. Review status: criteria provided, single submitter. Criteria: Invitae Variant Classification Sherloc (09022015). Collection method: clinical testing. Allele origin: germline.
Comment: This sequence change replaces glutamic acid, which is acidic and polar, with glutamine, which is neutral and polar, at codon 766 of the NFKB1 protein (p.Glu766Gln). This variant is not present in population databases (gnomAD no frequency). This variant has not been reported in the literature in individuals affected with NFKB1-related conditions. ClinVar contains an entry for this variant (Variation ID: 1902623). Advanced modeling of protein sequence and biophysical properties (such as structural, functional, and spatial information, amino acid conservation, physicochemical variation, residue mobility, and thermodynamic stability) performed at Invitae indicates that this missense variant is not expected to disrupt NFKB1 protein function with a negative predictive value of 80%. In summary, the available evidence is currently insufficient to determine the role of this variant in disease. Therefore, it has been classified as a Variant of Uncertain Significance.

Department of Pathology and Laboratory Medicine, Sinai Health System
Classification: Uncertain significance for Immunodeficiency, common variable, 12. Last evaluated: 2022-11-14. Review status: criteria provided, single submitter. Criteria: ACMG Guidelines, 2015. Collection method: research. Allele origin: germline.

NM_003998.4(NFKB1):c.2296G>C (p.Glu766Gln)

Gene: NFKB1 (nuclear factor kappa B subunit 1; plus strand). Cytogenetic location: 4q24.
Variant type: single nucleotide variant.
Coding change: c.2296G>C on transcript NM_003998.4 (MANE Select); coding-DNA position 2296, G replaced by C.
Protein change: p.Glu766Gln; replaces glutamic acid 766 with glutamine.
Molecular consequence: missense variant.
Genome position (GRCh38, 1-based): chr4:102,610,643, G>C. VCF-style: chr4-102610643-G-C. GRCh37 (hg19) VCF-style: chr4-103531800-G-C.
Other names: c.2293G>C, p.Glu765Gln (NM_001165412.2, NM_001319226.2, NM_001382627.1); c.2296G>C, p.Glu766Gln (NM_001382625.1, NM_001382626.1); c.2254G>C, p.Glu752Gln (NM_001382628.1); short protein forms E752Q, E766Q, E765Q.
Identifiers: ClinVar variation 1902623 (VCV001902623.6), dbSNP rs2476562938, ClinGen allele CA357753807.